The following is an entry in ClinVar:

ClinVar aggregate classification (germline): Uncertain significance. Review status: criteria provided, multiple submitters, no conflicts (2 of 4 stars). 2 submissions from 2 submitters: Uncertain significance (2). Last evaluated 2025-06-09.

Conditions:
Cardiovascular phenotype. Identifiers: MedGen CN230736.
Primary familial hypertrophic cardiomyopathy (HCM). Identifiers: Orphanet 99739, MedGen C0949658, MeSH D024741, MONDO:0024573. Inheritance: Various modes of inheritance.
Dilated cardiomyopathy 1AA (CMD1AA). Also called: CARDIOMYOPATHY, DILATED, 1AA, WITH OR WITHOUT LEFT VENTRICULAR NONCOMPACTION; CARDIOMYOPATHY, FAMILIAL HYPERTROPHIC, 23, WITH OR WITHOUT LEFT VENTRICULAR NONCOMPACTION; Cardiomyopathy, dilated, 1AA, with or without LVNC. Identifiers: Orphanet 154, MedGen C2677338, MONDO:0012808, OMIM 612158.

gnomAD v4.1: 1 of 1,613,924 alleles (0.000062%); highest among the groups gnomAD compares: African/African-American, 0.0013%; no homozygotes.

Submissions (2):

Labcorp Genetics (formerly Invitae), Labcorp
Classification: Uncertain significance for Primary familial hypertrophic cardiomyopathy; Dilated cardiomyopathy 1AA. Last evaluated: 2025-06-09. Review status: criteria provided, single submitter. Criteria: Invitae Variant Classification Sherloc (09022015). Collection method: clinical testing. Allele origin: germline.
Comment: This sequence change replaces methionine, which is neutral and non-polar, with leucine, which is neutral and non-polar, at codon 216 of the ACTN2 protein (p.Met216Leu). This variant is not present in population databases (gnomAD no frequency). This variant has not been reported in the literature in individuals affected with ACTN2-related conditions. ClinVar contains an entry for this variant (Variation ID: 2947252). Invitae Evidence Modeling of protein sequence and biophysical properties (such as structural, functional, and spatial information, amino acid conservation, physicochemical variation, residue mobility, and thermodynamic stability) indicates that this missense variant is expected to disrupt ACTN2 protein function with a positive predictive value of 80%. In summary, the available evidence is currently insufficient to determine the role of this variant in disease. Therefore, it has been classified as a Variant of Uncertain Significance.

Ambry Genetics
Classification: Uncertain significance for Cardiovascular phenotype. Last evaluated: 2025-01-18. Review status: criteria provided, single submitter. Criteria: Ambry Variant Classification Scheme 2023. Collection method: clinical testing. Allele origin: germline.

NM_001103.4(ACTN2):c.646A>T (p.Met216Leu)

Gene: ACTN2 (actinin alpha 2; plus strand). Cytogenetic location: 1q43.
Variant type: single nucleotide variant.
Coding change: c.646A>T on transcript NM_001103.4 (MANE Select); coding-DNA position 646, A replaced by T.
Protein change: p.Met216Leu; replaces methionine 216 with leucine.
Molecular consequence: missense variant. On other transcripts: non-coding transcript variant (1).
Genome position (GRCh38, 1-based): chr1:236,731,263, A>T. VCF-style: chr1-236731263-A-T. GRCh37 (hg19) VCF-style: chr1-236894563-A-T.
Other names: c.646A>T, p.Met216Leu (NM_001278343.2); c.-176A>T (NM_001278344.2); c.-301A>T (NM_001412150.1); c.646A>T (NM_001103.2); short protein forms M216L.
Identifiers: ClinVar variation 2947252 (VCV002947252.4), dbSNP rs749019847, ClinGen allele CA345375823.